The following is an entry in ClinVar:

NM_181659.3(NCOA3):c.3016C>T (p.Gln1006Ter)

Gene: NCOA3 (nuclear receptor coactivator 3; plus strand). Cytogenetic location: 20q13.12.
Variant type: single nucleotide variant.
Coding change: c.3016C>T on transcript NM_181659.3 (MANE Select); coding-DNA position 3016, C replaced by T.
Protein change: p.Gln1006Ter; replaces glutamine 1006 with a stop codon.
Molecular consequence: nonsense.
Genome position (GRCh38, 1-based): chr20:47,639,987, C>T. VCF-style: chr20-47639987-C-T. GRCh37 (hg19) VCF-style: chr20-46268731-C-T.
Other names: c.3016C>T, p.Gln1006Ter (NM_001174087.2, NM_006534.4); c.3001C>T, p.Gln1001Ter (NM_001174088.2); short protein forms Q1001*, Q1006*.
Identifiers: ClinVar variation 2652375 (VCV002652375.24), dbSNP rs2520007592, ClinGen allele CA409295758.

ClinVar aggregate classification (germline): Uncertain significance (1 of 4 stars; one submission).

Submission:

CeGaT Center for Human Genetics Tuebingen
Classification: Uncertain significance. Last evaluated: 2023-01-01. Review status: criteria provided, single submitter. Criteria: CeGaT Center For Human Genetics Tuebingen Variant Classification Criteria Version 2. Collection method: clinical testing. Allele origin: germline. Affected: yes. Observed: 1 variant allele.
Comment: NCOA3: PM2